The following is an entry in ClinVar:

NM_004830.4(MED23):c.421A>G (p.Ile141Val)

Gene: MED23 (mediator complex subunit 23; minus strand). Cytogenetic location: 6q23.2.
Variant type: single nucleotide variant.
Coding change: c.421A>G on transcript NM_004830.4 (MANE Select); coding-DNA position 421, A replaced by G.
Protein change: p.Ile141Val; replaces isoleucine 141 with valine.
Molecular consequence: missense variant.
Genome position (GRCh38, 1-based): chr6:131,621,955, T>C on the plus strand (A>G on the coding strand, the complement: MED23 is on the minus strand). VCF-style: chr6-131621955-T-C. GRCh37 (hg19) VCF-style: chr6-131943095-T-C.
Other names: c.421A>G, p.Ile141Val (NM_001270521.2, NM_001270522.2, NM_001376517.1 and 7 more transcripts); c.349A>G, p.Ile117Val (NM_001376518.1); short protein forms I117V, I141V.
Identifiers: ClinVar variation 1738806 (VCV001738806.2), dbSNP rs2482866158, ClinGen allele CA365647820.

ClinVar aggregate classification (germline): Uncertain significance (1 of 4 stars; one submission).

Conditions:
Inborn genetic diseases. Identifiers: MedGen C0950123, MeSH D030342.

Submission:

Ambry Genetics
Classification: Uncertain significance for Inborn genetic diseases. Last evaluated: 2018-11-08. Review status: criteria provided, single submitter. Criteria: Ambry Variant Classification Scheme 2023. Collection method: clinical testing. Allele origin: germline.
Comment: The p.I141V variant (also known as c.421A>G), located in coding exon 6 of the MED23 gene, results from an A to G substitution at nucleotide position 421. The isoleucine at codon 141 is replaced by valine, an amino acid with highly similar properties. This amino acid position is well conserved in available vertebrate species; however, valine is the reference amino acid in other vertebrate species. In addition, this alteration is predicted to be tolerated by in silico analysis. Since supporting evidence is limited at this time, the clinical significance of this alteration remains unclear.